The following is an entry in ClinVar:

NM_001042492.3(NF1):c.5687dup (p.Gly1897fs)

Gene: NF1 (neurofibromin 1; plus strand). Cytogenetic location: 17q11.2.
Variant type: Duplication.
Coding change: c.5687dup on transcript NM_001042492.3 (MANE Select); coding-DNA position 5687, one base duplicated (C; older notation c.5687dupC).
Protein change: p.Gly1897fs; shifts the reading frame from glycine 1897.
Molecular consequence: frameshift variant.
Genome position (GRCh38, 1-based): chr17:31,330,373, C duplicated. VCF-style (leftmost placement, unchanged base first): chr17-31330372-T-TC. GRCh37 (hg19) VCF-style: chr17-29657390-T-TC.
Other names: c.5624dup, p.Gly1876Argfs (NM_000267.4); short protein forms G1876fs, G1897fs.
Identifiers: ClinVar variation 3725717 (VCV003725717.2).
Genomic context (GRCh38, chr17:31,330,372, plus strand): 5'-CTTCTGTGTGCCTTAACTTGTACCTTTAATTTAAAAATCGAGGGCCAGTTACTAGAGACA[T>TC]CAGGTTTATGTATCCCTGCCAACAACACCCTCTTTATTGTCTCTATTAGTAAGACACTGG-3'

ClinVar aggregate classification (germline): Pathogenic (1 of 4 stars; one submission).

Conditions:
Neurofibromatosis, type 1 (NF1). Also called: NEUROFIBROMATOSIS, TYPE I, SOMATIC; Peripheral type neurofibromatosis; Neurofibromatosis, type I; VON RECKLINGHAUSEN DISEASE. Identifiers: Orphanet 636, MedGen C0027831, MONDO:0018975, OMIM 162200. Disease mechanism: loss of function.

Submission:

Labcorp Genetics (formerly Invitae), Labcorp
Classification: Pathogenic for Neurofibromatosis, type 1. Last evaluated: 2024-11-21. Review status: criteria provided, single submitter. Criteria: Invitae Variant Classification Sherloc (09022015). Collection method: clinical testing. Allele origin: germline.
Comment: This sequence change creates a premature translational stop signal (p.Gly1876Argfs*16) in the NF1 gene. It is expected to result in an absent or disrupted protein product. Loss-of-function variants in NF1 are known to be pathogenic (PMID: 10712197, 23913538). This variant is not present in population databases (gnomAD no frequency). This variant has not been reported in the literature in individuals affected with NF1-related conditions. For these reasons, this variant has been classified as Pathogenic.

Literature cited by the submitters: PubMed 10712197; PubMed 23913538.